The following is an entry in ClinVar:

ClinVar aggregate classification (germline): Uncertain significance (1 of 4 stars; one submission).

Submission:

GeneDx
Classification: Uncertain significance. Last evaluated: 2023-07-26. Review status: criteria provided, single submitter. Criteria: GeneDx Variant Classification Process June 2021. Collection method: clinical testing. Allele origin: germline. Affected: yes.
Comment: Not observed at significant frequency in large population cohorts (gnomAD); In silico analysis supports that this missense variant does not alter protein structure/function; Has not been previously published as pathogenic or benign to our knowledge

NM_018896.5(CACNA1G):c.6481C>T (p.Pro2161Ser)

Gene: CACNA1G (calcium voltage-gated channel subunit alpha1 G; plus strand). Cytogenetic location: 17q21.33.
Variant type: single nucleotide variant.
Coding change: c.6481C>T on transcript NM_018896.5 (MANE Select); coding-DNA position 6481, C replaced by T.
Protein change: p.Pro2161Ser; replaces proline 2161 with serine.
Molecular consequence: missense variant. On other transcripts: non-coding transcript variant (5), intron variant (3).
Genome position (GRCh38, 1-based): chr17:50,626,098, C>T. VCF-style: chr17-50626098-C-T. GRCh37 (hg19) VCF-style: chr17-48703459-C-T.
Other names: c.6292C>T, p.Pro2098Ser (NM_001256324.2); c.6223C>T, p.Pro2075Ser (NM_001256325.2); c.6211C>T, p.Pro2071Ser (NM_001256326.2); c.6181C>T, p.Pro2061Ser (NM_001256327.2); c.6127C>T, p.Pro2043Ser (NM_001256328.2); c.6100C>T, p.Pro2034Ser (NM_001256329.2, NM_198387.3); c.6067C>T, p.Pro2023Ser (NM_001256330.2); c.6046C>T, p.Pro2016Ser (NM_001256331.2); and 18 more; short protein forms P2011S, P2016S, P2023S, P2027S, P2030S, P2032S, P2034S, P2041S.
Identifiers: ClinVar variation 3361429 (VCV003361429.1).